The following is an entry in ClinVar:

NM_001369268.1(ACAN):c.7306T>C (p.Phe2436Leu)

Gene: ACAN (aggrecan; plus strand). Cytogenetic location: 15q26.1.
Variant type: single nucleotide variant.
Coding change: c.7306T>C on transcript NM_001369268.1 (MANE Select); coding-DNA position 7306, T replaced by C.
Protein change: p.Phe2436Leu; replaces phenylalanine 2436 with leucine.
Molecular consequence: missense variant.
Genome position (GRCh38, 1-based): chr15:88,872,884, T>C. VCF-style: chr15-88872884-T-C. GRCh37 (hg19) VCF-style: chr15-89416115-T-C.
Other names: c.7078T>C, p.Phe2360Leu (NM_001135.4, NM_001411096.1); c.7192T>C, p.Phe2398Leu (NM_001411097.1, NM_013227.4); short protein forms F2360L, F2398L, F2436L.
Identifiers: ClinVar variation 3618479 (VCV003618479.2).

ClinVar aggregate classification (germline): Uncertain significance (1 of 4 stars; one submission).

Submission:

Labcorp Genetics (formerly Invitae), Labcorp
Classification: Uncertain significance. Last evaluated: 2024-07-11. Review status: criteria provided, single submitter. Criteria: Invitae Variant Classification Sherloc (09022015). Collection method: clinical testing. Allele origin: germline.
Comment: This sequence change replaces phenylalanine, which is neutral and non-polar, with leucine, which is neutral and non-polar, at codon 2398 of the ACAN protein (p.Phe2398Leu). This variant is not present in population databases (gnomAD no frequency). This variant has not been reported in the literature in individuals affected with ACAN-related conditions. An algorithm developed to predict the effect of missense changes on protein structure and function (PolyPhen-2) suggests that this variant is likely to be disruptive. In summary, the available evidence is currently insufficient to determine the role of this variant in disease. Therefore, it has been classified as a Variant of Uncertain Significance.